The following is an entry in ClinVar:

ClinVar aggregate classification (germline): Uncertain significance (1 of 4 stars; one submission).

Conditions:
Autoimmune lymphoproliferative syndrome type 2B. Also called: AUTOIMMUNE LYMPHOPROLIFERATIVE SYNDROME, TYPE IIB. Identifiers: Orphanet 275517, MedGen C1846545, MONDO:0011804, OMIM 607271.

Submission:

Labcorp Genetics (formerly Invitae), Labcorp
Classification: Uncertain significance for Autoimmune lymphoproliferative syndrome type 2B. Last evaluated: 2022-07-12. Review status: criteria provided, single submitter. Criteria: Invitae Variant Classification Sherloc (09022015). Collection method: clinical testing. Allele origin: germline.
Comment: In summary, the available evidence is currently insufficient to determine the role of this variant in disease. Therefore, it has been classified as a Variant of Uncertain Significance. Algorithms developed to predict the effect of missense changes on protein structure and function (SIFT, PolyPhen-2, Align-GVGD) all suggest that this variant is likely to be tolerated. This variant has not been reported in the literature in individuals affected with CASP8-related conditions. This variant is not present in population databases (gnomAD no frequency). This sequence change replaces leucine, which is neutral and non-polar, with isoleucine, which is neutral and non-polar, at codon 155 of the CASP8 protein (p.Leu155Ile).

NM_001372051.1(CASP8):c.367C>A (p.Leu123Ile)

Gene: CASP8 (caspase 8; plus strand). Cytogenetic location: 2q33.1.
Variant type: single nucleotide variant.
Coding change: c.367C>A on transcript NM_001372051.1 (MANE Select); coding-DNA position 367, C replaced by A.
Protein change: p.Leu123Ile; replaces leucine 123 with isoleucine.
Molecular consequence: missense variant. On other transcripts: 5 prime UTR variant (11), non-coding transcript variant (19).
Genome position (GRCh38, 1-based): chr2:201,271,577, C>A. VCF-style: chr2-201271577-C-A. GRCh37 (hg19) VCF-style: chr2-202136300-C-A.
Other names: c.367C>A, p.Leu123Ile (NM_001080124.2, NM_001400645.1, NM_001400648.1 and 20 more transcripts); c.544C>A, p.Leu182Ile (NM_001080125.2, NM_001400642.1, NM_001400665.1); c.463C>A, p.Leu155Ile (NM_001228.5); c.58C>A, p.Leu20Ile (NM_001400669.1); c.-166C>A (NM_001400671.1, NM_001400672.1, NM_001400673.1 and 6 more transcripts); c.-347C>A (NM_001400674.1); c.-245C>A (NM_001400680.1); short protein forms L182I, L20I, L155I, L123I.
Identifiers: ClinVar variation 2088692 (VCV002088692.4), dbSNP rs2470047548, ClinGen allele CA350287290.